The following is an entry in ClinVar:

NM_002017.5(FLI1):c.43G>A (p.Asp15Asn)

Gene: FLI1 (Fli-1 proto-oncogene, ETS transcription factor; plus strand). Cytogenetic location: 11q24.3.
Variant type: single nucleotide variant.
Coding change: c.43G>A on transcript NM_002017.5 (MANE Select); coding-DNA position 43, G replaced by A.
Protein change: p.Asp15Asn; replaces aspartic acid 15 with asparagine.
Molecular consequence: missense variant. On other transcripts: 5 prime UTR variant (3).
Genome position (GRCh38, 1-based): chr11:128,758,139, G>A. VCF-style: chr11-128758139-G-A. GRCh37 (hg19) VCF-style: chr11-128628034-G-A.
Other names: c.-57G>A (NM_001167681.3); c.-327G>A (NM_001271010.2); c.-178G>A (NM_001271012.2); short protein forms D15N.
Identifiers: ClinVar variation 3713418 (VCV003713418.2).

ClinVar aggregate classification (germline): Uncertain significance (1 of 4 stars; one submission).

gnomAD v4.1: 15 of 1,612,876 alleles (0.00093%); highest among the groups gnomAD compares: African/African-American, 0.0013%; no homozygotes.

Submission:

Labcorp Genetics (formerly Invitae), Labcorp
Classification: Uncertain significance. Last evaluated: 2025-03-27. Review status: criteria provided, single submitter. Criteria: Invitae Variant Classification Sherloc (09022015). Collection method: clinical testing. Allele origin: germline.
Comment: This sequence change replaces aspartic acid, which is acidic and polar, with asparagine, which is neutral and polar, at codon 15 of the FLI1 protein (p.Asp15Asn). The frequency data for this variant in the population databases is considered unreliable, as metrics indicate poor data quality at this position in the gnomAD database. This variant has not been reported in the literature in individuals affected with FLI1-related conditions. Invitae Evidence Modeling of protein sequence and biophysical properties (such as structural, functional, and spatial information, amino acid conservation, physicochemical variation, residue mobility, and thermodynamic stability) indicates that this missense variant is not expected to disrupt FLI1 protein function with a negative predictive value of 80%. In summary, the available evidence is currently insufficient to determine the role of this variant in disease. Therefore, it has been classified as a Variant of Uncertain Significance.